The following is an entry in ClinVar:

NM_000059.4(BRCA2):c.6655dup (p.Ser2219fs)

Gene: BRCA2 (BRCA2 DNA repair associated; plus strand). Cytogenetic location: 13q13.1.
Variant type: Duplication.
Coding change: c.6655dup on transcript NM_000059.4 (MANE Select); coding-DNA position 6655, one base duplicated (T; older notation c.6655dupT).
Protein change: p.Ser2219fs; shifts the reading frame from serine 2219.
Molecular consequence: frameshift variant. On other transcripts: non-coding transcript variant (1), intron variant (2).
Genome position (GRCh38, 1-based): chr13:32,341,010, T duplicated; the last of 2 consecutive T bases (chr13:32,341,009-32,341,010); duplicating either gives the same sequence. VCF-style (leftmost placement, unchanged base first): chr13-32341008-A-AT. GRCh37 (hg19) VCF-style: chr13-32915145-A-AT.
Other names: c.6655dup, p.Ser2219fs (NM_001406719.1, NM_001406720.1); c.1910-3548dup (NM_001406721.1); c.425-3548dup (NM_001406722.1); c.6655dupT (NM_000059.3); short protein forms S2219fs.
Identifiers: ClinVar variation 2451540 (VCV002451540.2), dbSNP rs2548533809, ClinGen allele CA2580088043.

ClinVar aggregate classification (germline): Pathogenic (1 of 4 stars; one submission).

Conditions:
Hereditary cancer-predisposing syndrome. Also called: Neoplastic Syndromes, Hereditary; Tumor predisposition; Hereditary neoplastic syndrome; Hereditary Cancer Syndrome. Identifiers: Orphanet 140162, MedGen C0027672, MeSH D009386, MONDO:0015356.

Submission:

Ambry Genetics
Classification: Pathogenic for Hereditary cancer-predisposing syndrome. Last evaluated: 2023-01-30. Review status: criteria provided, single submitter. Criteria: Ambry Variant Classification Scheme 2023. Collection method: clinical testing. Allele origin: germline.
Comment: The c.6655dupT pathogenic mutation, located in coding exon 10 of the BRCA2 gene, results from a duplication of T at nucleotide position 6655, causing a translational frameshift with a predicted alternate stop codon (p.S2219Ffs*6). This variant is considered to be rare based on population cohorts in the Genome Aggregation Database (gnomAD). This alteration is expected to result in loss of function by premature protein truncation or nonsense-mediated mRNA decay. As such, this alteration is interpreted as a disease-causing mutation.